The following is an entry in ClinVar:

NM_015559.3(SETBP1):c.2725A>G (p.Thr909Ala)

Gene: SETBP1 (SET binding protein 1; plus strand). Cytogenetic location: 18q12.3.
Variant type: single nucleotide variant.
Coding change: c.2725A>G on transcript NM_015559.3 (MANE Select); coding-DNA position 2725, A replaced by G.
Protein change: p.Thr909Ala; replaces threonine 909 with alanine.
Molecular consequence: missense variant.
Genome position (GRCh38, 1-based): chr18:44,952,065, A>G. VCF-style: chr18-44952065-A-G. GRCh37 (hg19) VCF-style: chr18-42532030-A-G.
Other names: c.2725A>G, p.Thr909Ala (NM_001379141.1, NM_001379142.1, NM_001410862.1); short protein forms T909A.
Identifiers: ClinVar variation 2794467 (VCV002794467.3), dbSNP rs1599368930, ClinGen allele CA402322076.

ClinVar aggregate classification (germline): Uncertain significance (1 of 4 stars; one submission).

Allele frequency attached by ClinVar (database versions not stated): gnomAD exomes below 0.00001; TOPMed 0.00001.
gnomAD v4.1: 1 of 1,614,130 alleles (0.000062%); highest among the groups gnomAD compares: African/African-American, 0.0013%; no homozygotes.

Submission:

Labcorp Genetics (formerly Invitae), Labcorp
Classification: Uncertain significance. Last evaluated: 2024-05-21. Review status: criteria provided, single submitter. Criteria: Invitae Variant Classification Sherloc (09022015). Collection method: clinical testing. Allele origin: germline.
Comment: This sequence change replaces threonine, which is neutral and polar, with alanine, which is neutral and non-polar, at codon 909 of the SETBP1 protein (p.Thr909Ala). This variant is not present in population databases (gnomAD no frequency). This variant has not been reported in the literature in individuals affected with SETBP1-related conditions. Advanced modeling of protein sequence and biophysical properties (such as structural, functional, and spatial information, amino acid conservation, physicochemical variation, residue mobility, and thermodynamic stability) performed at Invitae indicates that this missense variant is not expected to disrupt SETBP1 protein function with a negative predictive value of 80%. In summary, the available evidence is currently insufficient to determine the role of this variant in disease. Therefore, it has been classified as a Variant of Uncertain Significance.